The following is an entry in ClinVar:

NM_006502.3(POLH):c.1067G>A (p.Arg356Gln)

Gene: POLH (DNA polymerase eta; plus strand). Cytogenetic location: 6p21.1.
Variant type: single nucleotide variant.
Coding change: c.1067G>A on transcript NM_006502.3 (MANE Select); coding-DNA position 1067, G replaced by A.
Protein change: p.Arg356Gln; replaces arginine 356 with glutamine.
Molecular consequence: missense variant.
Genome position (GRCh38, 1-based): chr6:43,605,312, G>A. VCF-style: chr6-43605312-G-A. GRCh37 (hg19) VCF-style: chr6-43573049-G-A.
Other names: c.695G>A, p.Arg232Gln (NM_001291969.2); c.1067G>A, p.Arg356Gln (NM_001291970.2); short protein forms R232Q, R356Q.
Identifiers: ClinVar variation 4881173 (VCV004881173.2).

ClinVar aggregate classification (germline): Uncertain significance (1 of 4 stars; one submission).

Conditions:
Xeroderma pigmentosum variant type. Also called: PHOTOSENSITIVITY WITH DEFECTIVE DNA SYNTHESIS; XERODERMA PIGMENTOSUM WITH NORMAL DNA REPAIR RATES; POLH-Related Xeroderma Pigmentosum. Identifiers: Orphanet 90342, MedGen C1848410, MONDO:0010214, OMIM 278750.

gnomAD v4.1: 88 of 1,567,068 alleles (0.0056%); highest among the groups gnomAD compares: Middle Eastern, 0.017%; no homozygotes.

Submission:

Dasa
Classification: Uncertain significance for Xeroderma pigmentosum variant type. Last evaluated: 2026-01-14. Review status: criteria provided, single submitter. Criteria: DASA Assertion Criteria. Collection method: clinical testing. Allele origin: germline.
Comment: NM_006502.3(POLH):c.1067G>A (p.Arg356Gln) is a missense variant that results in the substitution of arginine with glutamine. This classification is supported by population frequency inconsistent with a disease-causing role. Computational prediction algorithms are consistent with a benign effect. The currently available literature and clinical evidence are not sufficient to establish a definitive association between this variant and the reported condition. Therefore, this variant is classified as a variant of uncertain significance.